The following is an entry in ClinVar:

ClinVar aggregate classification (germline): Pathogenic (1 of 4 stars; one submission).

Conditions:
CHARGE syndrome (CHARGE). Also called: Hittner Hirsch Kreh syndrome; CHARGE ASSOCIATION--COLOBOMA, HEART ANOMALY, CHOANAL ATRESIA, RETARDATION, GENITAL AND EAR ANOMALIES; Coloboma, heart anomaly, choanal atresia, retardation, genital and ear anomalies; CHARGE association; Hall-Hittner syndrome. Identifiers: Orphanet 138, MedGen C0265354, MONDO:0008965.

Submission:

Labcorp Genetics (formerly Invitae), Labcorp
Classification: Pathogenic for CHARGE syndrome. Last evaluated: 2024-02-09. Review status: criteria provided, single submitter. Criteria: Invitae Variant Classification Sherloc (09022015). Collection method: clinical testing. Allele origin: germline.
Comment: This sequence change creates a premature translational stop signal (p.Ser307*) in the CHD7 gene. It is expected to result in an absent or disrupted protein product. Loss-of-function variants in CHD7 are known to be pathogenic (PMID: 22461308, 25077900). This variant is not present in population databases (gnomAD no frequency). This variant has not been reported in the literature in individuals affected with CHD7-related conditions. For these reasons, this variant has been classified as Pathogenic.

Literature cited by the submitters: PubMed 22461308; PubMed 25077900.

NM_017780.4(CHD7):c.920C>G (p.Ser307Ter)

Gene: CHD7 (chromodomain helicase DNA binding protein 7; plus strand). Cytogenetic location: 8q12.2.
Variant type: single nucleotide variant.
Coding change: c.920C>G on transcript NM_017780.4 (MANE Select); coding-DNA position 920, C replaced by G.
Protein change: p.Ser307Ter; replaces serine 307 with a stop codon.
Molecular consequence: nonsense.
Genome position (GRCh38, 1-based): chr8:60,742,352, C>G. VCF-style: chr8-60742352-C-G. GRCh37 (hg19) VCF-style: chr8-61654911-C-G.
Other names: c.920C>G, p.Ser307Ter (NM_001316690.1); short protein forms S307*.
Identifiers: ClinVar variation 3631188 (VCV003631188.2).